The following is an entry in ClinVar:

ClinVar aggregate classification (germline): Uncertain significance (1 of 4 stars; one submission).

Conditions:
FBLN5-related disorder. Also called: FBLN5-related condition.

Submission:

PreventionGenetics, part of Exact Sciences
Classification: Uncertain significance for FBLN5-related condition. Last evaluated: 2026-01-30. Review status: criteria provided, single submitter. Criteria: ACMG Guidelines, 2015. Collection method: clinical testing. Allele origin: germline.
Comment: The FBLN5 c.1336T>C variant is predicted to result in the amino acid substitution p.Tyr446His. To our knowledge, this variant has not been reported in the literature or in a large population database (gnomAD), indicating this variant is rare. At this time, the clinical significance of this variant is uncertain due to the absence of conclusive functional and genetic evidence.

NM_006329.4(FBLN5):c.1336T>C (p.Tyr446His)

Gene: FBLN5 (fibulin 5; minus strand). Cytogenetic location: 14q32.12.
Variant type: single nucleotide variant.
Coding change: c.1336T>C on transcript NM_006329.4 (MANE Select); coding-DNA position 1336, T replaced by C.
Protein change: p.Tyr446His; replaces tyrosine 446 with histidine.
Molecular consequence: missense variant. On other transcripts: 3 prime UTR variant (2).
Genome position (GRCh38, 1-based): chr14:91,870,235, A>G on the plus strand (T>C on the coding strand, the complement: FBLN5 is on the minus strand). VCF-style: chr14-91870235-A-G. GRCh37 (hg19) VCF-style: chr14-92336579-A-G.
Other names: c.1459T>C, p.Tyr487His (NM_001384158.1); c.1387T>C, p.Tyr463His (NM_001384159.1); c.*120T>C (NM_001384160.1, NM_001384161.1); c.1168T>C, p.Tyr390His (NM_001384162.1); short protein forms Y390H, Y446H, Y463H, Y487H.
Identifiers: ClinVar variation 4991737 (VCV004991737.1).